The following is an entry in ClinVar:

ClinVar aggregate classification (germline): Benign/Likely benign. Review status: criteria provided, multiple submitters, no conflicts (2 of 4 stars). 6 submissions from 6 submitters: Benign (1); Likely benign (4). 1 of the submissions does not count toward it. Last evaluated 2026-09-01.

Conditions:
Inborn genetic diseases. Identifiers: MedGen C0950123, MeSH D030342.
FBXO11-related disorder. Also called: FBXO11-related condition.

Allele frequency attached by ClinVar (database versions not stated): gnomAD exomes 0.00252 and 0.00399; gnomAD 0.00363 and 0.00370; TOPMed 0.00378.
gnomAD v4.1: 4,684 of 1,192,448 alleles (0.39%); highest among the groups gnomAD compares: Middle Eastern, 0.48%; 9 homozygotes.

Submissions (6):

CeGaT Center for Human Genetics Tuebingen
Classification: Likely benign. Last evaluated: 2026-09-01. Review status: criteria provided, single submitter. Criteria: CeGaT Center For Human Genetics Tuebingen Variant Classification Criteria Version 2. Collection method: clinical testing. Allele origin: germline. Affected: yes. Observed: 22 variant alleles.
Comment: FBXO11: BS1

Labcorp Genetics (formerly Invitae), Labcorp
Classification: Benign. Last evaluated: 2026-02-02. Review status: criteria provided, single submitter. Criteria: Invitae Variant Classification Sherloc (09022015). Collection method: clinical testing. Allele origin: germline.

Blueprint Genetics
Classification: Likely benign. Last evaluated: 2024-11-26. Review status: criteria provided, single submitter. Criteria: ACMG Guidelines, 2015. Collection method: clinical testing. Allele origin: germline.

Ambry Genetics
Classification: Likely benign for Inborn genetic diseases. Last evaluated: 2022-04-22. Review status: criteria provided, single submitter. Criteria: Ambry Variant Classification Scheme 2023. Collection method: clinical testing. Allele origin: germline.

Breakthrough Genomics
Classification: Likely benign. Review status: criteria provided, single submitter. Criteria: ACMG Guidelines, 2015. Collection method: not provided. Allele origin: germline. Inheritance: Autosomal dominant inheritance. Affected: yes.

PreventionGenetics, part of Exact Sciences
Classification: Likely benign for FBXO11-related condition. Last evaluated: 2022-07-19. Review status: no assertion criteria provided. Collection method: clinical testing. Allele origin: germline. Not counted in ClinVar's aggregate classification.
Comment: This variant is classified as likely benign based on ACMG/AMP sequence variant interpretation guidelines (Richards et al. 2015 PMID: 25741868, with internal and published modifications).

NM_001190274.2(FBXO11):c.149A>C (p.Gln50Pro)

Genes: FBXO11 (F-box protein 11; minus strand), LOC100506235 (uncharacterized LOC100506235; plus strand). Cytogenetic location: 2p16.3.
Variant type: single nucleotide variant.
Coding change: c.149A>C on transcript NM_001190274.2 (MANE Select); coding-DNA position 149, A replaced by C.
Protein change: p.Gln50Pro; replaces glutamine 50 with proline.
Molecular consequence: missense variant.
Genome position (GRCh38, 1-based): chr2:47,905,572, T>G on the plus strand (A>C on the coding strand, the complement: FBXO11 is on the minus strand). VCF-style: chr2-47905572-T-G. GRCh37 (hg19) VCF-style: chr2-48132711-T-G.
Other names: c.149A>C (NM_001190274.1); short protein forms Q50P.
Identifiers: ClinVar variation 1164883 (VCV001164883.47), dbSNP rs781277953, ClinGen allele CA1650241.
Genomic context (GRCh38, chr2:47,905,572, plus strand): 5'-TCCTGAGGCAGCGGCGGAGGCGGCGGTGGCGGCGGCGGAGGCTGCTGCTGCTGCTGCTGC[T>G]GCGGCGGCGGCGGAGGCTGCTGCTGGGGCGGCTGCTGCTGGGGCGGCTGCGGCGGCGGCT-3'
Protein context (NP_001177203.1, residues 40-60): PPQQQPPPPP[Gln50Pro]QQQQQQPPPP